The following is an entry in ClinVar:

NM_005896.4(IDH1):c.94T>G (p.Phe32Val)

Gene: IDH1 (isocitrate dehydrogenase (NADP(+)) 1; minus strand). Cytogenetic location: 2q34.
Variant type: single nucleotide variant.
Coding change: c.94T>G on transcript NM_005896.4 (MANE Select); coding-DNA position 94, T replaced by G.
Protein change: p.Phe32Val; replaces phenylalanine 32 with valine.
Molecular consequence: missense variant.
Genome position (GRCh38, 1-based): chr2:208,251,458, A>C on the plus strand (T>G on the coding strand, the complement: IDH1 is on the minus strand). VCF-style: chr2-208251458-A-C. GRCh37 (hg19) VCF-style: chr2-209116182-A-C.
Other names: c.94T>G, p.Phe32Val (NM_001282386.1, NM_001282387.1); short protein forms F32V.
Identifiers: ClinVar variation 134515 (VCV000134515.8), dbSNP rs142923780, ClinGen allele CA160028.

ClinVar aggregate classification (germline): Likely benign. Review status: criteria provided, multiple submitters, no conflicts (2 of 4 stars). 4 submissions from 4 submitters: Likely benign (2). 2 of the submissions do not count toward it. Last evaluated 2019-12-31.

Conditions:
IDH1-related disorder. Also called: IDH1-related condition.

Allele frequency attached by ClinVar (database versions not stated): 1000 Genomes Project 30x 0.00031; ESP Exome Variant Server 0.00038; 1000 Genomes Project 0.00040; gnomAD 0.00042 and 0.00043; TOPMed 0.00046; ExAC 0.00052; gnomAD exomes 0.00053 and 0.00055.
gnomAD v4.1: 862 of 1,613,954 alleles (0.053%); highest among the groups gnomAD compares: Admixed American, 0.065%; 1 homozygote.

Submissions (4):

Labcorp Genetics (formerly Invitae), Labcorp
Classification: Likely benign. Last evaluated: 2019-12-31. Review status: criteria provided, single submitter. Criteria: Invitae Variant Classification Sherloc (09022015). Collection method: clinical testing. Allele origin: germline.

Breakthrough Genomics
Classification: Likely benign. Review status: criteria provided, single submitter. Criteria: ACMG Guidelines, 2015. Collection method: not provided. Allele origin: germline. Inheritance: Autosomal dominant inheritance. Affected: yes.

PreventionGenetics, part of Exact Sciences
Classification: Likely benign for IDH1-related condition. Last evaluated: 2020-07-28. Review status: no assertion criteria provided. Collection method: clinical testing. Allele origin: germline. Not counted in ClinVar's aggregate classification.
Comment: This variant is classified as likely benign based on ACMG/AMP sequence variant interpretation guidelines (Richards et al. 2015 PMID: 25741868, with internal and published modifications).

ITMI
No classification provided. Condition: AllHighlyPenetrant. Last evaluated: 2013-09-19. Review status: no classification provided. Collection method: reference population. Allele origin: germline. Not counted in ClinVar's aggregate classification.
Comment: Please see associated publication for description of ethnicities

Literature cited by the submitters: PubMed 24728327 (cited by ITMI).